The following is an entry in ClinVar:

ClinVar aggregate classification (germline): Conflicting classifications of pathogenicity. Review status: criteria provided, conflicting classifications (1 of 4 stars). 4 submissions from 4 submitters: Uncertain significance (2); Likely benign (1). 1 of the submissions does not count toward it. Last evaluated 2025-12-02.

Conditions:
DYSF-related disorder. Also called: DYSF-related condition; DYSF-related disorders.
Neuromuscular disease caused by qualitative or quantitative defects of dysferlin. Also called: Dysferlinopathy; Qualitative or quantitative defects of dysferlin. Identifiers: Orphanet 207073, MedGen C2931687, MONDO:0016145.

Allele frequency attached by ClinVar (database versions not stated): TOPMed 0.00003.
gnomAD v4.1: 38 of 1,551,356 alleles (0.0024%); highest among the groups gnomAD compares: Non-Finnish European, 0.0013%; no homozygotes.

Submissions (4):

Labcorp Genetics (formerly Invitae), Labcorp
Classification: Likely benign for Neuromuscular disease caused by qualitative or quantitative defects of dysferlin. Last evaluated: 2025-12-02. Review status: criteria provided, single submitter. Criteria: Invitae Variant Classification Sherloc (09022015). Collection method: clinical testing. Allele origin: germline.

Illumina Laboratory Services, Illumina
Classification: Uncertain significance for Qualitative or quantitative defects of dysferlin. Last evaluated: 2018-01-13. Review status: criteria provided, single submitter. Criteria: ICSL Variant Classification Criteria 13 December 2019. Collection method: clinical testing. Allele origin: germline.

Eurofins Ntd Llc (ga)
Classification: Uncertain significance. Last evaluated: 2016-06-06. Review status: criteria provided, single submitter. Criteria: EGL Classification Definitions 2015. Collection method: clinical testing. Allele origin: germline. Observed: 1 variant allele, 1 heterozygote.

PreventionGenetics, part of Exact Sciences
Classification: Likely benign for DYSF-related condition. Last evaluated: 2019-06-26. Review status: no assertion criteria provided. Collection method: clinical testing. Allele origin: germline. Not counted in ClinVar's aggregate classification.
Comment: This variant is classified as likely benign based on ACMG/AMP sequence variant interpretation guidelines (Richards et al. 2015 PMID: 25741868, with internal and published modifications).

NM_001130987.2(DYSF):c.378G>T (p.Pro126=)

Gene: DYSF (dysferlin; plus strand). Cytogenetic location: 2p13.2.
Variant type: single nucleotide variant.
Coding change: c.378G>T on transcript NM_001130987.2 (MANE Select); coding-DNA position 378, G replaced by T.
Protein change: p.Pro126=; no amino-acid change (proline 126 retained).
Molecular consequence: synonymous variant.
Genome position (GRCh38, 1-based): chr2:71,511,839, G>T. VCF-style: chr2-71511839-G-T. GRCh37 (hg19) VCF-style: chr2-71738969-G-T.
Other names: c.375G>T, p.Pro125= (NM_003494.4, NM_001130981.2, NM_001130980.2 and 4 more transcripts); c.378G>T, p.Pro126= (NM_001130986.2, NM_001130985.2, NM_001130984.2 and 3 more transcripts).
Identifiers: ClinVar variation 288496 (VCV000288496.22), dbSNP rs377056951, ClinGen allele CA1705342.
Genomic context (GRCh38, chr2:71,511,839, plus strand): 5'-CCTGTCCCCCACGTCTCATCTCTTCCAGGCCTCGCTGGTCCTGCAGGTGTCCTACACACC[G>T]CTGCCTGGAGCTGTGCCCCTGTTCCCGCCCCCTACTCCTCTGGAGCCCTCCCCGACTCTG-3'
Protein context (NP_001124459.1, residues 116-136): ASLVLQVSYT[Pro126=]LPGAVPLFPP